The following is an entry in ClinVar:

ClinVar aggregate classification (germline): Uncertain significance (1 of 4 stars; one submission).

Submission:

Labcorp Genetics (formerly Invitae), Labcorp
Classification: Uncertain significance. Last evaluated: 2022-10-21. Review status: criteria provided, single submitter. Criteria: Invitae Variant Classification Sherloc (09022015). Collection method: clinical testing. Allele origin: germline.
Comment: This variant is not present in population databases (gnomAD no frequency). This variant, c.139_141del, results in the deletion of 1 amino acid(s) of the CDHR1 protein (p.Asp47del), but otherwise preserves the integrity of the reading frame. This variant has not been reported in the literature in individuals affected with CDHR1-related conditions. In summary, the available evidence is currently insufficient to determine the role of this variant in disease. Therefore, it has been classified as a Variant of Uncertain Significance. Experimental studies and prediction algorithms are not available or were not evaluated, and the functional significance of this variant is currently unknown.

NM_033100.4(CDHR1):c.139_141del (p.Asp47del)

Gene: CDHR1 (cadherin related family member 1; plus strand). Cytogenetic location: 10q23.1.
Variant type: Deletion.
Coding change: c.139_141del on transcript NM_033100.4 (MANE Select); coding-DNA positions 139 to 141, 3 bases deleted (GAC; older notation c.139_141delGAC).
Protein change: p.Asp47del; deletes aspartic acid 47.
Molecular consequence: inframe deletion.
Genome position (GRCh38, 1-based): chr10:84,195,577-84,195,579, GAC deleted. VCF-style (leftmost placement, unchanged base first): chr10-84195576-GGAC-G. GRCh37 (hg19) VCF-style: chr10-85955332-GGAC-G.
Other names: c.139_141del, p.Asp47del (NM_001171971.3); short protein forms D47del.
Identifiers: ClinVar variation 2032744 (VCV002032744.4), dbSNP rs2492461355, ClinGen allele CA2580082050.